The following is an entry in ClinVar:

ClinVar aggregate classification (germline): Likely benign (1 of 4 stars; one submission).

Allele frequency attached by ClinVar (database versions not stated): TOPMed 0.03329; gnomAD 0.03530; 1000 Genomes Project 30x 0.05621; 1000 Genomes Project 0.05771.
gnomAD v4.1: 35,236 of 809,564 alleles (4.4%); highest among the groups gnomAD compares: East Asian, 16%; 1,261 homozygotes.

Submission:

GeneDx
Classification: Likely benign. Last evaluated: 2020-08-28. Review status: criteria provided, single submitter. Criteria: GeneDx Variant Classification Process June 2021. Collection method: clinical testing. Allele origin: germline. Affected: yes.
Comment: See Variant Classification Assertion Criteria.

NM_000843.4(GRM6):c.*114C>G

Genes: GRM6 (glutamate metabotropic receptor 6; minus strand), ZNF454 (zinc finger protein 454; plus strand). Cytogenetic location: 5q35.3.
Variant type: single nucleotide variant.
Coding change: c.*114C>G on transcript NM_000843.4 (MANE Select); 114 bases downstream of the stop codon, C replaced by G.
Molecular consequence: 3 prime UTR variant.
Genome position (GRCh38, 1-based): chr5:178,981,543, G>C on the plus strand (C>G on the coding strand, the complement: GRM6 is on the minus strand). VCF-style: chr5-178981543-G-C. GRCh37 (hg19) VCF-style: chr5-178408544-G-C.
Identifiers: ClinVar variation 1706847 (VCV001706847.2), dbSNP rs17078852, ClinGen allele CA133016163.